The following is an entry in ClinVar:

NM_019109.5(ALG1):c.1208A>C (p.His403Pro)

Gene: ALG1 (ALG1 chitobiosyldiphosphodolichol beta-mannosyltransferase; plus strand). Cytogenetic location: 16p13.3.
Variant type: single nucleotide variant.
Coding change: c.1208A>C on transcript NM_019109.5 (MANE Select); coding-DNA position 1208, A replaced by C.
Protein change: p.His403Pro; replaces histidine 403 with proline.
Molecular consequence: missense variant.
Genome position (GRCh38, 1-based): chr16:5,083,702, A>C. VCF-style: chr16-5083702-A-C. GRCh37 (hg19) VCF-style: chr16-5133703-A-C.
Other names: c.875A>C, p.His292Pro (NM_001330504.2); short protein forms H292P, H403P.
Identifiers: ClinVar variation 2011965 (VCV002011965.4), dbSNP rs2505875468, ClinGen allele CA394674587.

ClinVar aggregate classification (germline): Uncertain significance (1 of 4 stars; one submission).

Conditions:
ALG1-congenital disorder of glycosylation. Also called: CONGENITAL DISORDER OF GLYCOSYLATION, TYPE Ik; ALG1-CDG; CDG Ik. Identifiers: Orphanet 79327, MedGen C2931005, MONDO:0012052, OMIM 608540.

Submission:

Labcorp Genetics (formerly Invitae), Labcorp
Classification: Uncertain significance for ALG1-congenital disorder of glycosylation. Last evaluated: 2022-06-28. Review status: criteria provided, single submitter. Criteria: Invitae Variant Classification Sherloc (09022015). Collection method: clinical testing. Allele origin: germline.
Comment: This sequence change replaces histidine, which is basic and polar, with proline, which is neutral and non-polar, at codon 403 of the ALG1 protein (p.His403Pro). This variant is not present in population databases (gnomAD no frequency). This variant has not been reported in the literature in individuals affected with ALG1-related conditions. Advanced modeling of protein sequence and biophysical properties (such as structural, functional, and spatial information, amino acid conservation, physicochemical variation, residue mobility, and thermodynamic stability) performed at Invitae indicates that this missense variant is expected to disrupt ALG1 protein function. In summary, the available evidence is currently insufficient to determine the role of this variant in disease. Therefore, it has been classified as a Variant of Uncertain Significance.